The following continues an entry in ClinVar:

NM_206933.4(USH2A):c.12575G>A (p.Arg4192His)

Gene: USH2A. ClinVar aggregate classification (germline): Pathogenic/Likely pathogenic. Pathogenic (15); Likely pathogenic (8).

Submissions 10 to 29 of 29:

Women's Health and Genetics/Laboratory Corporation of America, LabCorp
Classification: Pathogenic for Usher syndrome. Last evaluated: 2025-02-19. Review status: criteria provided, single submitter. Criteria: LabCorp Variant Classification Summary - May 2015. Collection method: clinical testing. Allele origin: germline.
Comment: Variant summary: USH2A c.12575G>A (p.Arg4192His) results in a non-conservative amino acid change located in the Fibronectin type III domain (IPR003961) of the encoded protein sequence. Four of five in-silico tools predict a benign effect of the variant on protein function. The variant allele was found at a frequency of 0.00059 in 249454 control chromosomes in the gnomAD database, including 1 homozygote. This frequency is not significantly higher than estimated for a pathogenic variant in USH2A causing Usher Syndrome (0.00059 vs 0.011), allowing no conclusion about variant significance. c.12575G>A has been reported in multiple compound heterozygous and homozygous individuals affected with retinitis pigmentosa, hereditary retinal disorders, and/or mild or late onset hearing loss (e.g. Avila-Fernandez_2010, Martin-Merida_2019, Weisschuh_2020, Ganapathi_2022, Labcorp Genetics (formerly Invitae)) and this variant co-segregated with disease (Avila-Fernandez_2010, Martin-Merida_2019). These data indicate that the variant is very likely to be associated with disease. Additionally, a different variant affecting the same codon has been classified as pathogenic by our lab (c.12574C>T, p.Arg4192Cys), supporting the critical relevance of codon 4192 to USH2A protein function. The following publications have been ascertained in the context of this evaluation (PMID: 21151602, 35672425, 30902645, 32531858). ClinVar contains an entry for this variant (Variation ID: 166434). Based on the evidence outlined above, the variant was classified as pathogenic.

Revvity Omics, Revvity
Classification: Pathogenic. Last evaluated: 2025-01-16. Review status: criteria provided, single submitter. Criteria: ACMG Guidelines, 2015. Collection method: clinical testing. Allele origin: germline.

Blueprint Genetics
Classification: Pathogenic for USH2A-related disorders. Last evaluated: 2024-11-07. Review status: criteria provided, single submitter. Criteria: ACMG Guidelines, 2015. Collection method: clinical testing. Allele origin: germline. Affected: yes. Observed: 5 variant alleles.

Fulgent Genetics
Classification: Likely pathogenic for Usher syndrome type 2A; Retinitis pigmentosa 39. Last evaluated: 2024-06-11. Review status: criteria provided, single submitter. Criteria: ACMG Guidelines, 2015. Collection method: clinical testing. Allele origin: germline.

Laboratory of Medical Genetics, National & Kapodistrian University of Athens
Classification: Likely pathogenic for Usher syndrome type 2A. Last evaluated: 2024-02-01. Review status: criteria provided, single submitter. Criteria: ACMG Guidelines, 2015. Collection method: curation. Allele origin: germline. Affected: no.

Institute of Human Genetics, Univ. Regensburg, Univ. Regensburg
Classification: Likely pathogenic for Retinal dystrophy. Last evaluated: 2023-01-01. Review status: criteria provided, single submitter. Criteria: ACMG Guidelines, 2015. Collection method: clinical testing. Allele origin: germline. Affected: yes.

Department of Pathology and Laboratory Medicine, Sinai Health System
Classification: Pathogenic for Usher syndrome type 2A; Retinitis pigmentosa 39. Last evaluated: 2022-10-31. Review status: criteria provided, single submitter. Criteria: ACMG Guidelines, 2015. Collection method: research. Allele origin: germline.

Institute of Human Genetics, University of Leipzig Medical Center
Classification: Likely pathogenic for Usher syndrome type 2A. Last evaluated: 2022-06-22. Review status: criteria provided, single submitter. Criteria: ACMG Guidelines, 2015. Collection method: clinical testing. Allele origin: paternal. Inheritance: Autosomal recessive inheritance. Affected: yes.
Comment: Criteria applied: PM3_VSTR,PM5,BP4

Ocular Genomics Institute, Massachusetts Eye and Ear
Classification: Pathogenic for Retinitis pigmentosa 39. Last evaluated: 2021-04-08. Review status: criteria provided, single submitter. Criteria: ACMG Guidelines, 2015. Collection method: research. Allele origin: germline. Affected: yes.
Comment: Through a review of available evidence we were able to apply the following criteria: PS1, PM2, PM3, PP1, PP3. Based on this evidence we have classified this variant as Pathogenic.

Broad Center for Mendelian Genomics, Broad Institute of MIT and Harvard
Classification: Pathogenic for Retinitis pigmentosa. Last evaluated: 2021-04-01. Review status: criteria provided, single submitter. Criteria: ACMG Guidelines, 2015. Collection method: curation. Allele origin: germline. Inheritance: Autosomal recessive inheritance. Affected: yes.
Comment: Through a review of available evidence we were able to apply the following criteria: PS1, PM2, PM3, PP1, PP3. Based on this evidence we have classified this variant as Pathogenic. If you have any questions about the classification please reach out to the Pierce Lab.

Institute of Medical Genetics and Applied Genomics, University Hospital Tübingen
Classification: Likely pathogenic. Last evaluated: 2020-10-23. Review status: criteria provided, single submitter. Criteria: ACMG Guidelines, 2015. Collection method: clinical testing. Allele origin: germline. Inheritance: Autosomal recessive inheritance. Affected: yes.

Baylor Genetics
Classification: Pathogenic for Retinitis pigmentosa 39. Last evaluated: 2019-02-08. Review status: criteria provided, single submitter. Criteria: ACMG Guidelines, 2015. Collection method: clinical testing. Allele origin: unknown. Affected: yes.
Comment: This variant was determined to be pathogenic according to ACMG Guidelines, 2015 [PMID:25741868].

Eurofins Ntd Llc (ga)
Classification: Pathogenic. Last evaluated: 2015-05-07. Review status: criteria provided, single submitter. Criteria: EGL Classification Definitions 2015. Collection method: clinical testing. Allele origin: germline. Observed: 3 variant alleles, 3 heterozygotes.

Clinical Genetics Service, Universitary Hospital 12 de Octubre
Classification: Likely pathogenic for Usher syndrome type 2A. Review status: criteria provided, single submitter. Criteria: ACMG Guidelines, 2015. Collection method: clinical testing. Allele origin: germline. Affected: yes.

Baylor Genetics
Classification: Uncertain significance for Usher syndrome type 2A. Last evaluated: 2022-01-26. Review status: no assertion criteria provided. Collection method: clinical testing. Allele origin: unknown. Not counted in ClinVar's aggregate classification.

Sharon lab, Hadassah-Hebrew University Medical Center
Classification: Pathogenic for Retinitis pigmentosa. Last evaluated: 2019-06-23. Review status: no assertion criteria provided. Collection method: research. Allele origin: inherited. Affected: yes. Not counted in ClinVar's aggregate classification.

Counsyl
Classification: Uncertain significance for Retinitis pigmentosa 39. Last evaluated: 2019-05-07. Review status: no assertion criteria provided. Collection method: clinical testing. Allele origin: unknown. Not counted in ClinVar's aggregate classification.

Department of Clinical Genetics, Copenhagen University Hospital, Rigshospitalet
Classification: Uncertain significance for Retinitis pigmentosa. Last evaluated: 2018-04-01. Review status: no assertion criteria provided. Collection method: research. Allele origin: unknown. Affected: yes. Study: VeluxRD. Not counted in ClinVar's aggregate classification.

NIHR Bioresource Rare Diseases, University of Cambridge
Classification: Likely pathogenic for Retinitis pigmentosa. Last evaluated: 2015-01-01. Review status: no assertion criteria provided. Collection method: research. Allele origin: unknown. Affected: yes. Observed: 1 variant allele. Not counted in ClinVar's aggregate classification.

Laboratory for Molecular Medicine, Mass General Brigham Personalized Medicine
Classification: Uncertain significance. Last evaluated: 2014-07-16. Review status: flagged submission. Criteria: LMM Criteria. Collection method: clinical testing. Allele origin: germline. Observed: 1 variant allele. Not counted in ClinVar's aggregate classification.
Comment: The Arg4192His variant in USH2A has been reported in four individuals with autosomal recessive retinitis pigmentosa (McGee 2010, Avila-Fernandez 2010, Tucker 2013). Three of these individuals were homozygous or compound heterozygous, and one was only reported to be heterozygous for this variant but there was no information about a second variant. The Arg4192His variant has been identified in 0.023% (2/8600) of European American chromosomes by the NHLBI Exome Sequencing Project (dbSNP rs199605265). Although this variant has been seen in the general population, its frequency is not high enough to rule out a pathogenic role. The arginine (Arg) at position 4192 is not conserved in mammals or evolutionary distant species, including many species carrying a histidine (His) at this position, raising the possibility that a change at this position may be tolerated. Additional computational prediction tools suggest that the Arg4192His variant may not impact the protein, though this information is not predictive enough to rule out pathogenicity. In summary, while the clinical significance of the Arg4192His variant is uncertain, these data suggest that is more likely to be benign.
ClinVar note: Reason: Older claim that does not account for recent evidence

Literature cited by the submitters: PubMed 21151602 (cited by 14 submitters); PubMed 22135276 (cited by 5 submitters); PubMed 22334370 (cited by 6 submitters); PubMed 23991284 (cited by 7 submitters); PubMed 25649381 (cited by 8 submitters); PubMed 28118666 (cited by Labcorp Genetics (formerly Invitae), Labcorp and 3billion); PubMed 28559085 (cited by 6 submitters); PubMed 28894305 (cited by 3 submitters); PubMed 23940504 (cited by 3billion); PubMed 36034145 (cited by Variantyx, Inc.); PubMed 31456290 (cited by Variantyx, Inc. and Institute of Human Genetics, Univ. Regensburg, Univ. Regensburg); PubMed 32326409 (cited by Variantyx, Inc. and Institute of Human Genetics, Univ. Regensburg, Univ. Regensburg); PubMed 36785559 (cited by 3 submitters); PubMed 34327195 (cited by Variantyx, Inc. and Institute of Human Genetics, Univ. Regensburg, Univ. Regensburg); PubMed 32531858 (cited by 4 submitters); PubMed 29276052 (cited by Natera, Inc. and Women's Health and Genetics/Laboratory Corporation of America, LabCorp); PubMed 20507924 (cited by 8 submitters); PubMed 36646238 (cited by Natera, Inc.); PubMed 30902645 (cited by 3 submitters); PubMed 35672425 (cited by OLLIN Analises Genomicas, OLLIN and Women's Health and Genetics/Laboratory Corporation of America, LabCorp); PubMed 34230634 (cited by OLLIN Analises Genomicas, OLLIN); PubMed 31160754 (cited by OLLIN Analises Genomicas, OLLIN); PubMed 27596865 (cited by 5 submitters); PubMed 31964843 (cited by Institute of Human Genetics, Univ. Regensburg, Univ. Regensburg); PubMed 31980526 (cited by Institute of Human Genetics, Univ. Regensburg, Univ. Regensburg); PubMed 32036094 (cited by Institute of Human Genetics, Univ. Regensburg, Univ. Regensburg); PubMed 32581362 (cited by Institute of Human Genetics, Univ. Regensburg, Univ. Regensburg); PubMed 32037395 (cited by Institute of Human Genetics, Univ. Regensburg, Univ. Regensburg); PubMed 33576794 (cited by Institute of Human Genetics, Univ. Regensburg, Univ. Regensburg); PubMed 33749171 (cited by Institute of Human Genetics, Univ. Regensburg, Univ. Regensburg); PubMed 32675063 (cited by Institute of Human Genetics, Univ. Regensburg, Univ. Regensburg); PubMed 34781295 (cited by Institute of Human Genetics, Univ. Regensburg, Univ. Regensburg); PubMed 35266249 (cited by Institute of Human Genetics, Univ. Regensburg, Univ. Regensburg); PubMed 36460718 (cited by Institute of Human Genetics, Univ. Regensburg, Univ. Regensburg); PubMed 28041643 (cited by 3 submitters); PubMed 26927203 (cited by 3 submitters); PubMed 26806561 (cited by 3 submitters); PubMed 23591405 (cited by 4 submitters); PubMed 27160483 (cited by 3 submitters); PubMed 34906470 (cited by Broad Center for Mendelian Genomics, Broad Institute of MIT and Harvard); PubMed 27208204 (cited by Counsyl); PubMed 30543658 (cited by Counsyl); PubMed 25412400 (cited by Counsyl); PubMed 28157192 (cited by Counsyl); PubMed 30718709 (cited by Department of Clinical Genetics, Copenhagen University Hospital, Rigshospitalet).